The following is an entry in ClinVar:

NM_015275.3(WASHC4):c.1095C>T (p.Ile365=)

Gene: WASHC4 (WASH complex subunit 4; plus strand). Cytogenetic location: 12q23.3.
Variant type: single nucleotide variant.
Coding change: c.1095C>T on transcript NM_015275.3 (MANE Select); coding-DNA position 1095, C replaced by T.
Protein change: p.Ile365=; no amino-acid change (isoleucine 365 retained).
Molecular consequence: synonymous variant.
Genome position (GRCh38, 1-based): chr12:105,127,185, C>T. VCF-style: chr12-105127185-C-T. GRCh37 (hg19) VCF-style: chr12-105520963-C-T.
Other names: c.1095C>T, p.Ile365= (NM_001293640.2).
Identifiers: ClinVar variation 3905561 (VCV003905561.10).

ClinVar aggregate classification (germline): Likely benign (1 of 4 stars; one submission).

gnomAD v4.1: 1 of 1,611,470 alleles (0.000062%); highest among the groups gnomAD compares: Non-Finnish European, 0.000085%; no homozygotes.

Submission:

CeGaT Center for Human Genetics Tuebingen
Classification: Likely benign. Last evaluated: 2025-05-01. Review status: criteria provided, single submitter. Criteria: CeGaT Center For Human Genetics Tuebingen Variant Classification Criteria Version 2. Collection method: clinical testing. Allele origin: germline. Affected: yes. Observed: 1 variant allele.
Comment: WASHC4: BP4, BP7